The following is an entry in ClinVar:

NM_020458.4(TTC7A):c.2368_2369insCGCC (p.Ser790fs)

Gene: TTC7A (tetratricopeptide repeat domain 7A; plus strand). Cytogenetic location: 2p21.
Variant type: Insertion.
Coding change: c.2368_2369insCGCC on transcript NM_020458.4 (MANE Select); coding-DNA positions 2368 to 2369, CGCC inserted.
Protein change: p.Ser790fs; shifts the reading frame from serine 790.
Molecular consequence: frameshift variant.
Genome position: GRCh38 VCF-style: chr2-47073714-A-ACGCC. GRCh37 (hg19) VCF-style: chr2-47300853-A-ACGCC.
Other names: c.2440_2441insCGCC, p.Ser814fs (NM_001288951.2); c.2266_2267insCGCC, p.Ser756fs (NM_001288953.2); c.1306_1307insCGCC, p.Ser436fs (NM_001288955.2); short protein forms S756fs, S790fs, S814fs, S436fs.
Identifiers: ClinVar variation 1486396 (VCV001486396.6), dbSNP rs2103674254, ClinGen allele CA2573134836.

ClinVar aggregate classification (germline): Likely pathogenic (1 of 4 stars; one submission).

Conditions:
Multiple gastrointestinal atresias. Also called: Multiple intestinal atresia; FAMILIAL INTESTINAL POLYATRESIA SYNDROME. Identifiers: Orphanet 2300, MedGen C0220744, MONDO:0009465.

Submission:

Labcorp Genetics (formerly Invitae), Labcorp
Classification: Likely pathogenic for Multiple gastrointestinal atresias. Last evaluated: 2021-11-05. Review status: criteria provided, single submitter. Criteria: Invitae Variant Classification Sherloc (09022015). Collection method: clinical testing. Allele origin: germline.
Comment: In summary, the currently available evidence indicates that the variant is pathogenic, but additional data are needed to prove that conclusively. Therefore, this variant has been classified as Likely Pathogenic. This variant disrupts the C-terminus of the TTC7A protein. Other variant(s) that disrupt this region (p.Val833*, p.Q828*, p.E857* ) have been observed in individuals with TTC7A-related conditions (PMID: 24292712, 24931897, 25534311). This suggests that this may be a clinically significant region of the protein. This variant has not been reported in the literature in individuals affected with TTC7A-related conditions. This variant is not present in population databases (gnomAD no frequency). This sequence change creates a premature translational stop signal (p.Ser790Thrfs*16) in the TTC7A gene. While this is not anticipated to result in nonsense mediated decay, it is expected to disrupt the last 69 amino acid(s) of the TTC7A protein.

Literature cited by the submitters: PubMed 24292712; PubMed 24931897; PubMed 25534311.